The following is an entry in ClinVar:

NM_000228.3(LAMB3):c.1348C>T (p.Arg450Cys)

Gene: LAMB3 (laminin subunit beta 3; minus strand). Cytogenetic location: 1q32.2.
Variant type: single nucleotide variant.
Coding change: c.1348C>T on transcript NM_000228.3 (MANE Select); coding-DNA position 1348, C replaced by T.
Protein change: p.Arg450Cys; replaces arginine 450 with cysteine.
Molecular consequence: missense variant.
Genome position (GRCh38, 1-based): chr1:209,627,520, G>A on the plus strand (C>T on the coding strand, the complement: LAMB3 is on the minus strand). VCF-style: chr1-209627520-G-A. GRCh37 (hg19) VCF-style: chr1-209800865-G-A.
Other names: c.1348C>T, p.Arg450Cys (NM_001017402.2, NM_001127641.1); short protein forms R450C.
Identifiers: ClinVar variation 763929 (VCV000763929.12), dbSNP rs200895463, ClinGen allele CA1375611.

ClinVar aggregate classification (germline): Conflicting classifications of pathogenicity. Review status: criteria provided, conflicting classifications (1 of 4 stars). 2 submissions from 2 submitters: Uncertain significance (1); Likely benign (1). Last evaluated 2026-02-03.

Conditions:
LAMB3-related disorder. Also called: LAMB3-related condition.

Allele frequency attached by ClinVar (database versions not stated): gnomAD 0.00013 and 0.00015; TOPMed 0.00019; ExAC 0.00020; 1000 Genomes Project 0.00040; 1000 Genomes Project 30x 0.00062.
gnomAD v4.1: 139 of 1,614,014 alleles (0.0086%); highest among the groups gnomAD compares: East Asian, 0.21%; no homozygotes.

Submissions (2):

PreventionGenetics, part of Exact Sciences
Classification: Uncertain significance for LAMB3-related condition. Last evaluated: 2026-02-03. Review status: criteria provided, single submitter. Criteria: ACMG Guidelines, 2015. Collection method: clinical testing. Allele origin: germline.
Comment: The LAMB3 c.1348C>T variant is predicted to result in the amino acid substitution p.Arg450Cys. This variant was reported in an individual with epidermolysis bullosa along with two other compound heterozygous potentially causative variants in this gene (Li et al. 2022. PubMed ID: 36299258). This variant is reported in 0.34% of alleles in individuals of East Asian descent in gnomAD. Although we suspect that this variant may be benign, at this time, the clinical significance of this variant is uncertain due to the absence of conclusive functional and genetic evidence.

Labcorp Genetics (formerly Invitae), Labcorp
Classification: Likely benign. Last evaluated: 2026-01-28. Review status: criteria provided, single submitter. Criteria: Invitae Variant Classification Sherloc (09022015). Collection method: clinical testing. Allele origin: germline.